The following is an entry in ClinVar:

NM_000478.6(ALPL):c.529G>A (p.Ala177Thr)

Gene: ALPL (alkaline phosphatase, biomineralization associated; plus strand). Cytogenetic location: 1p36.12.
Variant type: single nucleotide variant.
Coding change: c.529G>A on transcript NM_000478.6 (MANE Select); coding-DNA position 529, G replaced by A.
Protein change: p.Ala177Thr; replaces alanine 177 with threonine.
Molecular consequence: missense variant.
Genome position (GRCh38, 1-based): chr1:21,564,097, G>A. VCF-style: chr1-21564097-G-A. GRCh37 (hg19) VCF-style: chr1-21890590-G-A.
Other names: c.364G>A, p.Ala122Thr (NM_001127501.4); c.298G>A, p.Ala100Thr (NM_001177520.3); c.529G>A, p.Ala177Thr (NM_001369803.2, NM_001369804.2, NM_001369805.2); short protein forms A177T, A100T, A122T.
Identifiers: ClinVar variation 556961 (VCV000556961.30), dbSNP rs199669988, ClinGen allele CA666521.

ClinVar aggregate classification (germline): Conflicting classifications of pathogenicity. Review status: criteria provided, conflicting classifications (1 of 4 stars). 16 submissions from 16 submitters: Pathogenic (5); Likely pathogenic (3); Uncertain significance (6). 2 of the submissions do not count toward it. Last evaluated 2025-12-29.

Conditions:
Inborn genetic diseases. Identifiers: MedGen C0950123, MeSH D030342.
Hypophosphatasia. Also called: Phosphoethanol-aminuria. Identifiers: Orphanet 436, MedGen C0020630, MeSH D007014, MONDO:0018570.
Adult hypophosphatasia. Identifiers: Orphanet 247676, Orphanet 436, MedGen C0268413, MONDO:1010154, OMIM 146300, MONDO:0007798.
Microcephaly. Also called: Microcephaly (disease). Identifiers: MedGen C4551563, MONDO:0001149, HP:0000252.
Semidominant ALPL-related disorders.
Childhood hypophosphatasia. Identifiers: Orphanet 247667, Orphanet 436, MedGen C0220743, MONDO:1010168, OMIM 241510, MONDO:0009428.
Infantile hypophosphatasia. Identifiers: Orphanet 247651, Orphanet 436, MedGen C0268412, MONDO:1010169, OMIM 241500, MONDO:0009427.

Allele frequency attached by ClinVar (database versions not stated): 1000 Genomes Project 30x 0.00031; 1000 Genomes Project 0.00040; TOPMed 0.00003; gnomAD 0.00004 and 0.00011; ExAC 0.00013; gnomAD exomes 0.00013.

Submissions 1 to 11 of 16:

Natera, Inc.
Classification: Likely pathogenic for Hypophosphatasia. Last evaluated: 2025-12-29. Review status: criteria provided, single submitter. Criteria: Natera Variant Classification Schema (03/2026). Collection method: clinical testing. Allele origin: germline.
Comment: The c.529G>A variant in ALPL is a missense variant predicted to cause substitution of alanine to threonine at amino acid 177. This variant has been observed in at least one unaffected individual, with a zygosity that is consistent with the inheritance pattern for the associated condition (in gnomAD and/or literature) (PMID: 31857675). This variant has been observed in one or more individuals affected with the associated recessive disease, as either homozygous or compound heterozygous with a second variant (PMID: 11760847, 9452105). This variant has been observed in affected individual(s) with monoallelic occurrence (heterozygous/hemizygous) (PMID: 37107680, 41018175, 39926094). Additionally, this variant has been observed to segregate in affected family members (PMID: 35197081). Given the available evidence, this variant is classified as Likely Pathogenic.

Labcorp Genetics (formerly Invitae), Labcorp
Classification: Pathogenic. Last evaluated: 2025-12-19. Review status: criteria provided, single submitter. Criteria: Invitae Variant Classification Sherloc (09022015). Collection method: clinical testing. Allele origin: germline.
Comment: This sequence change replaces alanine, which is neutral and non-polar, with threonine, which is neutral and polar, at codon 177 of the ALPL protein (p.Ala177Thr). This variant is present in population databases (rs199669988, gnomAD 0.2%). This missense change has been observed in individual(s) with hypophosphatasia (PMID: 9452105, 11760847). In at least one individual the data is consistent with being in trans (on the opposite chromosome) from a pathogenic variant. This variant is also known as p.Ala160Thr. ClinVar contains an entry for this variant (Variation ID: 556961). An algorithm developed to predict the effect of missense changes on protein structure and function outputs the following: PolyPhen-2: "Benign". The threonine amino acid residue is found in multiple mammalian species, which suggests that this missense change does not adversely affect protein function. Experimental studies have shown that this missense change affects ALPL function (PMID: 11760847, 12162492, 18455459). For these reasons, this variant has been classified as Pathogenic.

JKU Lab, Dept of Paediatrics, Johannes Kepler University
Classification: Pathogenic for Hypophosphatasia. Last evaluated: 2025-10-23. Review status: criteria provided, single submitter. Criteria: ACMG Guidelines, 2015. Collection method: curation. Allele origin: germline. Affected: yes.
Comment: This missense variant is present in GnomAD 4.1 (f = 0.007152 in the East-Asian population) and affects a highly conserved amino acid, not in the active site domain. The variant is not predicted to affect protein function (REVEL score: 0.58). Splice-prediction algorithms predict no effect on splicing. This variant has been reported in the literature in individuals affected with ALPL-related conditions (PMID: 20383509, 10495141, 11760847, 18769927, 11760847, 35197081, 9452105, 41018175, 31754721).

Variantyx, Inc.
Classification: Pathogenic for Semidominant ALPL-related disorders. Last evaluated: 2025-09-25. Review status: criteria provided, single submitter. Criteria: Variantyx Assertion Criteria 2022. Collection method: clinical testing. Allele origin: germline. Inheritance: Semidominant inheritance.
Comment: This is a nonsynonymous variant in the ALPL gene (OMIM: 171760). Pathogenic variants in this gene have been associated with autosomal semidominant ALPL-related disorders. This variant has been identified in the homozygous or compound heterozygous state in at least 5 individuals reported in the published literature (PMID: 9452105, 31857675, 11760847) (PM3_Very_Strong). Functional studies have shown that this variant alters ALPL protein function (PMID: 31857675, 32160374) (PS3). This variant has a 0.7152% maximum allele frequency in control populations (BS1). Based on the current evidence, this variant is classified as pathogenic for autosomal semidominant ALPL-related disorders.

Genomenon, Inc
Classification: Uncertain significance for Hypophosphatasia. Last evaluated: 2025-08-29. Review status: criteria provided, single submitter. Criteria: Genomenon Sequence Variant Interpretation Standards. Collection method: curation. Allele origin: germline. Affected: yes.
Comment: ALPL c.529G>A is a missense variant that changes the amino acid at residue 177 from Alanine to Threonine. This variant has been observed in at least one proband affected with hypophosphatasia (PMID:11760847;38884565;37107680;9452105). It has been observed in trans with a pathogenic variant in at least one patient (PMID:11760847). Functional studies have been reported;however, the significance of the findings remain unclear (PMID:11760847;12162492;18455459). This variant is also described as Ala160Thr in the literature. In conclusion, we classify ALPL p.Ala177Thr (c.529G>A) as a variant of unknown significance.

Women's Health and Genetics/Laboratory Corporation of America, LabCorp
Classification: Uncertain significance. Last evaluated: 2025-05-21. Review status: criteria provided, single submitter. Criteria: LabCorp Variant Classification Summary - May 2015. Collection method: clinical testing. Allele origin: germline.
Comment: Variant summary: ALPL c.529G>A (p.Ala177Thr) results in a non-conservative amino acid change in the encoded protein sequence. Algorithms developed to predict the effect of missense changes on protein structure and function are either unavailable or do not agree on the potential impact of this missense change. The variant allele was found at a frequency of 0.00021 in 1614044 control chromosomes, predominantly at a frequency of 0.0072 within the East Asian subpopulation in the gnomAD database, including 4 homozygotes. The observed variant frequency within East Asian control individuals in the gnomAD database is approximately 2.036 fold of the estimated maximal expected allele frequency for a pathogenic variant in ALPL causing Hypophosphatasia phenotype (0.0035).Further, this variant was observed in 30/2418 control chromosomes among individuals of Japanese descent in the Human Genetic Variation Database (HGVD), which corresponds to a 0.0124 allele frequency and is approximately 3.54 fold of the estimated maximal expected allele frequency for a pathogenic variant in ALPL causing Hypophosphatasia phenotype (0.0035). c.529G>A has been reported in the literature in the compound-, presumed compound heterozygous or heterozygous state in multiple individuals affected with clinical or biochemical features of autosomal dominant or autosomal recessive Hypophosphatasia (example, Goseki-Sone_1998, Orimo_2001, Collmann_2009, Li_2023, Sugiyama_2022, Yoon_2020, Beck_2011), including at least 1 individual with low serum ALP who carried this variant de novo (example, Yoon_2020). Multiple affected individuals with childhood onset recessive hypophosphatasia also carried likely pathogenic/pathogenic variants in trans which were inherited from relatively healthy parents with low serum ALP levels (example, Orimo_2001). While the population frequency of this variant is not compatible with isolated cases of high-penetrance, early onset hypophosphatasia, due to the presence of multiple affected individuals with distinct pathogenic variants in trans we cannot rule out the possibility of low penetrance or hypomorphic allele status. At least one publication reports experimental evidence evaluating an impact on protein function. The most pronounced variant effect results in 81% of normal activity (example, delAngel_2020). The following publications have been ascertained in the context of this evaluation (PMID: 20383509, 18769927, 32160374, 12162492, 9452105, 37107680, 33452237, 31857675, 11760847, 18455459, 25023282, 35197081, 31754721). ClinVar contains an entry for this variant (Variation ID: 556961). Based on the evidence outlined above, the variant was classified as VUS-possibly benign.

Fulgent Genetics
Classification: Likely pathogenic for Adult hypophosphatasia; Infantile hypophosphatasia; Childhood hypophosphatasia. Last evaluated: 2024-04-05. Review status: criteria provided, single submitter. Criteria: ACMG Guidelines, 2015. Collection method: clinical testing. Allele origin: germline.

Revvity Omics, Revvity
Classification: Likely pathogenic. Last evaluated: 2023-12-22. Review status: criteria provided, single submitter. Criteria: ACMG Guidelines, 2015. Collection method: clinical testing. Allele origin: germline.

Baylor Genetics
Classification: Uncertain significance for Adult hypophosphatasia. Last evaluated: 2022-10-03. Review status: criteria provided, single submitter. Criteria: ACMG Guidelines, 2015. Collection method: clinical testing. Allele origin: unknown.

Blueprint Genetics
Classification: Uncertain significance. Last evaluated: 2022-10-03. Review status: criteria provided, single submitter. Criteria: ACMG Guidelines, 2015. Collection method: clinical testing. Allele origin: germline.

Mendelics
Classification: Pathogenic for Adult hypophosphatasia. Last evaluated: 2022-05-04. Review status: criteria provided, single submitter. Criteria: Mendelics Assertion Criteria 2019. Collection method: clinical testing. Allele origin: germline.